The following is an entry in ClinVar:

ClinVar aggregate classification (germline): Uncertain significance. Review status: criteria provided, multiple submitters, no conflicts (2 of 4 stars). 2 submissions from 2 submitters: Uncertain significance (2). Last evaluated 2025-07-15.

Submissions (2):

Ambry Genetics
Classification: Uncertain significance. Last evaluated: 2025-07-15. Review status: criteria provided, single submitter. Criteria: Ambry Variant Classification Scheme 2023. Collection method: clinical testing. Allele origin: germline.

Labcorp Genetics (formerly Invitae), Labcorp
Classification: Uncertain significance. Last evaluated: 2024-05-10. Review status: criteria provided, single submitter. Criteria: Invitae Variant Classification Sherloc (09022015). Collection method: clinical testing. Allele origin: germline.
Comment: This sequence change replaces isoleucine, which is neutral and non-polar, with threonine, which is neutral and polar, at codon 25 of the NEK2 protein (p.Ile25Thr). This variant is present in population databases (no rsID available, gnomAD 0.007%). This variant has not been reported in the literature in individuals affected with NEK2-related conditions. An algorithm developed to predict the effect of missense changes on protein structure and function (PolyPhen-2) suggests that this variant is likely to be disruptive. In summary, the available evidence is currently insufficient to determine the role of this variant in disease. Therefore, it has been classified as a Variant of Uncertain Significance.

NM_002497.4(NEK2):c.74T>C (p.Ile25Thr)

Genes: NEK2 (NIMA related kinase 2; minus strand), LOC129932452 (ATAC-STARR-seq lymphoblastoid active region 2489; plus strand). Cytogenetic location: 1q32.3.
Variant type: single nucleotide variant.
Coding change: c.74T>C on transcript NM_002497.4 (MANE Select); coding-DNA position 74, T replaced by C.
Protein change: p.Ile25Thr; replaces isoleucine 25 with threonine.
Molecular consequence: missense variant.
Genome position (GRCh38, 1-based): chr1:211,675,406, A>G on the plus strand (T>C on the coding strand, the complement: NEK2 is on the minus strand). VCF-style: chr1-211675406-A-G. GRCh37 (hg19) VCF-style: chr1-211848748-A-G.
Other names: c.74T>C, p.Ile25Thr (NM_001204182.2, NM_001204183.2); c.74T>C (NM_002497.3); short protein forms I25T.
Identifiers: ClinVar variation 3611364 (VCV003611364.3).